The following is an entry in ClinVar:

ClinVar aggregate classification (germline): Uncertain significance (1 of 4 stars; one submission).

Submission:

Labcorp Genetics (formerly Invitae), Labcorp
Classification: Uncertain significance. Last evaluated: 2022-10-17. Review status: criteria provided, single submitter. Criteria: Invitae Variant Classification Sherloc (09022015). Collection method: clinical testing. Allele origin: germline.
Comment: In summary, the available evidence is currently insufficient to determine the role of this variant in disease. Therefore, it has been classified as a Variant of Uncertain Significance. Algorithms developed to predict the effect of missense changes on protein structure and function are either unavailable or do not agree on the potential impact of this missense change (SIFT: "Tolerated"; PolyPhen-2: "Not Available"; Align-GVGD: "Class C0"). This variant has not been reported in the literature in individuals affected with POLD2-related conditions. This variant is not present in population databases (gnomAD no frequency). This sequence change replaces threonine, which is neutral and polar, with isoleucine, which is neutral and non-polar, at codon 416 of the POLD2 protein (p.Thr416Ile).

NM_006230.4(POLD2):c.1142C>T (p.Thr381Ile)

Gene: POLD2 (DNA polymerase delta 2, accessory subunit; minus strand). Cytogenetic location: 7p13.
Variant type: single nucleotide variant.
Coding change: c.1142C>T on transcript NM_006230.4 (MANE Select); coding-DNA position 1142, C replaced by T.
Protein change: p.Thr381Ile; replaces threonine 381 with isoleucine.
Molecular consequence: missense variant.
Genome position (GRCh38, 1-based): chr7:44,115,771, G>A on the plus strand (C>T on the coding strand, the complement: POLD2 is on the minus strand). VCF-style: chr7-44115771-G-A. GRCh37 (hg19) VCF-style: chr7-44155370-G-A.
Other names: c.1142C>T, p.Thr381Ile (NM_001127218.3, NM_001256879.2); short protein forms T381I.
Identifiers: ClinVar variation 2003821 (VCV002003821.4), dbSNP rs2484378216, ClinGen allele CA367379986.